The following is an entry in ClinVar:

ClinVar aggregate classification (germline): Pathogenic. Review status: criteria provided, multiple submitters, no conflicts (2 of 4 stars). 2 submissions from 2 submitters: Pathogenic (2). Last evaluated 2026-09-01.

Conditions:
Alpha-N-acetylgalactosaminidase deficiency type 1. Also called: SCHINDLER DISEASE, TYPE I; ALPHA-N-ACETYLGALACTOSAMINIDASE DEFICIENCY, TYPE I; NAGA DEFICIENCY, TYPE I; NEUROAXONAL DYSTROPHY, SCHINDLER TYPE. Identifiers: Orphanet 3137, Orphanet 79279, Orphanet 79281, MedGen C1836544, MONDO:0012221, OMIM 609241.
Alpha-N-acetylgalactosaminidase deficiency. Identifiers: Orphanet 3137, MedGen C5848084, MONDO:0017779.

Allele frequency attached by ClinVar (database versions not stated): gnomAD 0.00001.

Submissions (2):

Myriad Genetics, Inc.
Classification: Pathogenic for Alpha-N-acetylgalactosaminidase deficiency. Last evaluated: 2026-09-01. Review status: criteria provided, single submitter. Criteria: Myriad Autosomal Dominant, Autosomal Recessive and X-Linked Classification Criteria (2023). Collection method: clinical testing. Allele origin: unknown.
Comment: NM_000262.2(NAGA):c.839delT(L280Pfs*2) is expected to be pathogenic in the context of NAGA-related disorders. This variant is predicted to lead to an abnormal or absent protein product due to the creation of a premature termination codon in NAGA, a gene where loss-of-function variants are known to be pathogenic. Please note: this variant was assessed in the context of healthy population screening.

Labcorp Genetics (formerly Invitae), Labcorp
Classification: Pathogenic for Alpha-N-acetylgalactosaminidase deficiency type 1. Last evaluated: 2023-09-14. Review status: criteria provided, single submitter. Criteria: Invitae Variant Classification Sherloc (09022015). Collection method: clinical testing. Allele origin: germline.
Comment: For these reasons, this variant has been classified as Pathogenic. This variant has not been reported in the literature in individuals affected with NAGA-related conditions. The frequency data for this variant in the population databases is considered unreliable, as metrics indicate poor data quality at this position in the gnomAD database. This sequence change creates a premature translational stop signal (p.Leu280Profs*2) in the NAGA gene. It is expected to result in an absent or disrupted protein product. Loss-of-function variants in NAGA are known to be pathogenic (PMID: 8782044, 11251574).

Literature cited by the submitters: PubMed 8782044 (cited by Labcorp Genetics (formerly Invitae), Labcorp); PubMed 11251574 (cited by Labcorp Genetics (formerly Invitae), Labcorp).

NM_000262.3(NAGA):c.839del (p.Leu280fs)

Gene: NAGA (alpha-N-acetylgalactosaminidase; minus strand). Cytogenetic location: 22q13.2.
Variant type: Deletion.
Coding change: c.839del on transcript NM_000262.3 (MANE Select); coding-DNA position 839, one base deleted (T; older notation c.839delT).
Protein change: p.Leu280fs; shifts the reading frame from leucine 280.
Molecular consequence: frameshift variant.
Genome position (GRCh38, 1-based): chr22:42,062,945, A deleted on the plus strand (T on the coding strand, the reverse complement: NAGA is on the minus strand). VCF-style (leftmost placement, unchanged base first): chr22-42062944-GA-G. GRCh37 (hg19) VCF-style: chr22-42458948-GA-G.
Other names: c.839del, p.Leu280fs (NM_001362848.1, NM_001362850.1); short protein forms L280fs.
Identifiers: ClinVar variation 2760723 (VCV002760723.4), dbSNP rs1435289617, ClinGen allele CA639474422.